The following is an entry in ClinVar:

NM_021035.3(ZNFX1):c.3312G>A (p.Lys1104=)

Gene: ZNFX1 (zinc finger NFX1-type containing 1; minus strand). Cytogenetic location: 20q13.13.
Variant type: single nucleotide variant.
Coding change: c.3312G>A on transcript NM_021035.3 (MANE Select); coding-DNA position 3312, G replaced by A.
Protein change: p.Lys1104=; no amino-acid change (lysine 1104 retained).
Molecular consequence: synonymous variant.
Genome position (GRCh38, 1-based): chr20:49,251,527, C>T on the plus strand (G>A on the coding strand, the complement: ZNFX1 is on the minus strand). VCF-style: chr20-49251527-C-T. GRCh37 (hg19) VCF-style: chr20-47868064-C-T.
Other names: NC_000020.10:g.47868064C>T.
Identifiers: ClinVar variation 3048146 (VCV003048146.3), dbSNP rs144375900, ClinGen allele CA9902073.

ClinVar aggregate classification (germline): Likely benign (0 of 4 stars; one submission).

Conditions:
ZNFX1-related disorder. Also called: ZNFX1-related condition.

Allele frequency attached by ClinVar (database versions not stated): 1000 Genomes Project 30x 0.00016; 1000 Genomes Project 0.00020; ESP Exome Variant Server 0.00046; gnomAD 0.00058; TOPMed 0.00068; gnomAD exomes 0.00082; ExAC 0.00098.

Submissions (9):

PreventionGenetics, part of Exact Sciences
Classification: Likely benign for ZNFX1-related condition. Last evaluated: 2023-08-14. Review status: no assertion criteria provided. Collection method: clinical testing. Allele origin: germline.
Comment: This variant is classified as likely benign based on ACMG/AMP sequence variant interpretation guidelines (Richards et al. 2015 PMID: 25741868, with internal and published modifications).

Dr. Peter K. Rogan Lab, Western University
No classification provided (evidence only). Condition: Familial cancer of breast. Review status: no classification provided. Collection method: in vitro. Allele origin: not applicable. Functional consequence: skipped exon, retained intron. Not counted in ClinVar's aggregate classification.

Dr. Peter K. Rogan Lab, Western University
No classification provided (evidence only). Condition: Acute myeloid leukemia. Review status: no classification provided. Collection method: in vitro. Allele origin: not applicable. Functional consequence: retained intron. Not counted in ClinVar's aggregate classification.

Dr. Peter K. Rogan Lab, Western University
No classification provided (evidence only). Condition: Sarcoma. Review status: no classification provided. Collection method: in vitro. Allele origin: not applicable. Functional consequence: retained intron. Not counted in ClinVar's aggregate classification.

Dr. Peter K. Rogan Lab, Western University
No classification provided (evidence only). Condition: Ovarian serous cystadenocarcinoma. Review status: no classification provided. Collection method: in vitro. Allele origin: not applicable. Functional consequence: retained intron. Not counted in ClinVar's aggregate classification.

Dr. Peter K. Rogan Lab, Western University
No classification provided (evidence only). Condition: Adrenocortical carcinoma, hereditary. Review status: no classification provided. Collection method: in vitro. Allele origin: not applicable. Functional consequence: retained intron. Not counted in ClinVar's aggregate classification.

Dr. Peter K. Rogan Lab, Western University
No classification provided (evidence only). Condition: Uveal melanoma. Review status: no classification provided. Collection method: in vitro. Allele origin: not applicable. Functional consequence: skipped exon. Not counted in ClinVar's aggregate classification.

Dr. Peter K. Rogan Lab, Western University
No classification provided (evidence only). Condition: Uveal melanoma. Review status: no classification provided. Collection method: in vitro. Allele origin: not applicable. Functional consequence: skipped exon, retained intron. Not counted in ClinVar's aggregate classification.

Dr. Peter K. Rogan Lab, Western University
No classification provided (evidence only). Condition: Malignant tumor of esophagus. Review status: no classification provided. Collection method: in vitro. Allele origin: not applicable. Functional consequence: skipped exon, retained intron. Not counted in ClinVar's aggregate classification.